The following is an entry in ClinVar:

ClinVar aggregate classification (germline): Uncertain significance (1 of 4 stars; one submission).

Conditions:
Cardiovascular phenotype. Identifiers: MedGen CN230736.

Allele frequency attached by ClinVar (database versions not stated): gnomAD exomes below 0.00001.
gnomAD v4.1: 2 of 1,614,112 alleles (0.00012%); highest among the groups gnomAD compares: African/African-American, 0.0027%; no homozygotes.

Submission:

Ambry Genetics
Classification: Uncertain significance for Cardiovascular phenotype. Last evaluated: 2023-11-21. Review status: criteria provided, single submitter. Criteria: Ambry Variant Classification Scheme 2023. Collection method: clinical testing. Allele origin: germline.
Comment: The p.T334A variant (also known as c.1000A>G), located in coding exon 3 of the PKP2 gene, results from an A to G substitution at nucleotide position 1000. The threonine at codon 334 is replaced by alanine, an amino acid with similar properties. This amino acid position is conserved. In addition, this alteration is predicted to be tolerated by in silico analysis. Since supporting evidence is limited at this time, the clinical significance of this alteration remains unclear.

NM_001005242.3(PKP2):c.1000A>G (p.Thr334Ala)

Gene: PKP2 (plakophilin 2; minus strand). Cytogenetic location: 12p11.21.
Variant type: single nucleotide variant.
Coding change: c.1000A>G on transcript NM_001005242.3 (MANE Select); coding-DNA position 1000, A replaced by G.
Protein change: p.Thr334Ala; replaces threonine 334 with alanine.
Molecular consequence: missense variant.
Genome position (GRCh38, 1-based): chr12:32,877,880, T>C on the plus strand (A>G on the coding strand, the complement: PKP2 is on the minus strand). VCF-style: chr12-32877880-T-C. GRCh37 (hg19) VCF-style: chr12-33030814-T-C.
Other names: c.1000A>G, p.Thr334Ala (NM_001407155.1, NM_001407156.1, NM_001407157.1 and 2 more transcripts); c.673A>G, p.Thr225Ala (NM_001407158.1, NM_001407159.1, NM_001407160.1 and 1 more transcripts); short protein forms T225A, T334A.
Identifiers: ClinVar variation 3224313 (VCV003224313.1), dbSNP rs2541337926, ClinGen allele CA384361729.